The following is an entry in ClinVar:

NM_000051.4(ATM):c.6217del (p.Leu2073fs)

Genes: ATM (ATM serine/threonine kinase; plus strand), C11orf65 (chromosome 11 open reading frame 65; minus strand). Cytogenetic location: 11q22.3.
Variant type: Deletion.
Coding change: c.6217del on transcript NM_000051.4 (MANE Select); coding-DNA position 6217, one base deleted (C; older notation c.6217delC).
Protein change: p.Leu2073fs; shifts the reading frame from leucine 2073.
Molecular consequence: frameshift variant. On other transcripts: intron variant (2).
Genome position (GRCh38, 1-based): chr11:108,317,391, C deleted. VCF-style (leftmost placement, unchanged base first): chr11-108317390-AC-A. GRCh37 (hg19) VCF-style: chr11-108188117-AC-A.
Other names: c.6217del, p.Leu2073fs (NM_001351834.2); c.641-8320del (NM_001330368.2); c.*39-8320del (NM_001351110.2); short protein forms L2073fs.
Identifiers: ClinVar variation 2705176 (VCV002705176.3), dbSNP rs2488584261, ClinGen allele CA2697558928.
Genomic context (GRCh38, chr11:108,317,390, plus strand): 5'-ATCTTTGATTACTTAACTTAAAAACAAAATAACTCCTGTTTAGGCCTTGCAGAATTTGGG[AC>A]TCTGCCATATTCTTTCCGTCTATTTAAAAGGATTGGATTATGAAAATAAAGACTGGTGTC-3'

ClinVar aggregate classification (germline): Pathogenic (1 of 4 stars; one submission).

Conditions:
Ataxia-telangiectasia syndrome (AT). Also called: LOUIS-BAR SYNDROME; Cerebello-oculocutaneous telangiectasia; Immunodeficiency with ataxia telangiectasia; Ataxia telangiectasia (A-T); Ataxia-telangiectasia, complementation group D; AT, COMPLEMENTATION GROUP C. Identifiers: Orphanet 100, MedGen C0004135, MONDO:0008840, OMIM 208900.

Submission:

Labcorp Genetics (formerly Invitae), Labcorp
Classification: Pathogenic for Ataxia-telangiectasia syndrome. Last evaluated: 2023-12-24. Review status: criteria provided, single submitter. Criteria: Invitae Variant Classification Sherloc (09022015). Collection method: clinical testing. Allele origin: germline.
Comment: This sequence change creates a premature translational stop signal (p.Leu2073Serfs*9) in the ATM gene. It is expected to result in an absent or disrupted protein product. Loss-of-function variants in ATM are known to be pathogenic (PMID: 23807571, 25614872). This variant is not present in population databases (gnomAD no frequency). This variant has not been reported in the literature in individuals affected with ATM-related conditions. For these reasons, this variant has been classified as Pathogenic.

Literature cited by the submitters: PubMed 23807571; PubMed 25614872.